The following is an entry in ClinVar:

NM_001844.5(COL2A1):c.402dup (p.Gly135fs)

Gene: COL2A1 (collagen type II alpha 1 chain; minus strand). Cytogenetic location: 12q13.11.
Variant type: Duplication.
Coding change: c.402dup on transcript NM_001844.5 (MANE Select); coding-DNA position 402, one base duplicated (A; older notation c.402dupA).
Protein change: p.Gly135fs; shifts the reading frame from glycine 135.
Molecular consequence: frameshift variant.
Genome position (GRCh38, 1-based): chr12:47,997,898, T duplicated on the plus strand (A on the coding strand, the reverse complement: COL2A1 is on the minus strand). VCF-style (leftmost placement, unchanged base first): chr12-47997897-C-CT. GRCh37 (hg19) VCF-style: chr12-48391680-C-CT.
Other names: c.195dup, p.Gly66fs (NM_033150.3); short protein forms G135fs, G66fs.
Identifiers: ClinVar variation 1181564 (VCV001181564.2), dbSNP rs2136627628, ClinGen allele CA2499221688.

ClinVar aggregate classification (germline): Pathogenic (1 of 4 stars; one submission).

Submission:

GeneDx
Classification: Pathogenic. Last evaluated: 2021-01-04. Review status: criteria provided, single submitter. Criteria: GeneDx Variant Classification Process June 2021. Collection method: clinical testing. Allele origin: germline. Affected: yes.
Comment: Frameshift variant predicted to result in protein truncation or nonsense mediated decay in a gene for which loss-of-function is a known mechanism of disease; Not observed in large population cohorts (Lek et al., 2016); Has not been previously published as pathogenic or benign to our knowledge